The following is an entry in ClinVar:

ClinVar aggregate classification (germline): Uncertain significance. Review status: criteria provided, multiple submitters, no conflicts (2 of 4 stars). 2 submissions from 2 submitters: Uncertain significance (2). Last evaluated 2025-08-25.

Conditions:
Inborn genetic diseases. Identifiers: MedGen C0950123, MeSH D030342.

Allele frequency attached by ClinVar (database versions not stated): gnomAD exomes 0.00002; ExAC 0.00003; ESP Exome Variant Server 0.00008; gnomAD 0.00016; TOPMed 0.00020.

Submissions (2):

Ambry Genetics
Classification: Uncertain significance for Inborn genetic diseases. Last evaluated: 2025-08-25. Review status: criteria provided, single submitter. Criteria: Ambry Variant Classification Scheme 2023. Collection method: clinical testing. Allele origin: germline.

Mayo Clinic Laboratories, Mayo Clinic
Classification: Uncertain significance. Last evaluated: 2023-03-17. Review status: criteria provided, single submitter. Criteria: ACMG Guidelines, 2015. Collection method: clinical testing. Allele origin: germline. Observed: 1 variant allele.
Comment: BP4

NM_017547.4(FOXRED1):c.278G>A (p.Arg93Gln)

Gene: FOXRED1 (FAD dependent oxidoreductase domain containing 1; plus strand). Cytogenetic location: 11q24.2.
Variant type: single nucleotide variant.
Coding change: c.278G>A on transcript NM_017547.4 (MANE Select); coding-DNA position 278, G replaced by A.
Protein change: p.Arg93Gln; replaces arginine 93 with glutamine.
Molecular consequence: missense variant. On other transcripts: non-coding transcript variant (1).
Genome position (GRCh38, 1-based): chr11:126,271,629, G>A. VCF-style: chr11-126271629-G-A. GRCh37 (hg19) VCF-style: chr11-126141524-G-A.
Other names: p.Arg93Gln; c.278G>A, p.Arg93Gln (NM_001425160.1, NM_001425161.1, NM_001425163.1 and 4 more transcripts); c.-253G>A (NM_001425169.1); c.-233G>A (NM_001425170.1); c.-280G>A (NM_001425171.1); c.-261G>A (NM_001425174.1, NM_001425175.1); c.278G>A (NM_017547.3); short protein forms R93Q.
Identifiers: ClinVar variation 2683173 (VCV002683173.2), dbSNP rs150427279, ClinGen allele CA6354018.